The following is an entry in ClinVar:

ClinVar aggregate classification (germline): Uncertain significance (1 of 4 stars; one submission).

Conditions:
Peripheral neuropathy, autosomal recessive, with or without impaired intellectual development. Identifiers: MedGen C4748283, MONDO:0029131, OMIM 618124.

Allele frequency attached by ClinVar (database versions not stated): gnomAD exomes 0.00001 and 0.00002; gnomAD 0.00002 and 0.00003; TOPMed 0.00002.

Submission:

Labcorp Genetics (formerly Invitae), Labcorp
Classification: Uncertain significance. Last evaluated: 2022-03-24. Review status: criteria provided, single submitter. Criteria: Invitae Variant Classification Sherloc (09022015). Collection method: clinical testing. Allele origin: germline.
Comment: This sequence change replaces glutamic acid, which is acidic and polar, with glycine, which is neutral and non-polar, at codon 1968 of the MCM3AP protein (p.Glu1968Gly). This variant is present in population databases (no rsID available, gnomAD 0.007%). This variant has not been reported in the literature in individuals affected with MCM3AP-related conditions. Algorithms developed to predict the effect of missense changes on protein structure and function (SIFT, PolyPhen-2, Align-GVGD) all suggest that this variant is likely to be tolerated. In summary, the available evidence is currently insufficient to determine the role of this variant in disease. Therefore, it has been classified as a Variant of Uncertain Significance.

NM_003906.5(MCM3AP):c.5903A>G (p.Glu1968Gly)

Genes: MCM3AP (minichromosome maintenance complex component 3 associated protein; minus strand), MCM3AP-AS1 (MCM3AP antisense RNA 1; plus strand). Cytogenetic location: 21q22.3.
Variant type: single nucleotide variant.
Coding change: c.5903A>G on transcript NM_003906.5 (MANE Select); coding-DNA position 5903, A replaced by G.
Protein change: p.Glu1968Gly; replaces glutamic acid 1968 with glycine.
Molecular consequence: missense variant.
Genome position (GRCh38, 1-based): chr21:46,235,308, T>C on the plus strand (A>G on the coding strand, the complement: MCM3AP is on the minus strand). VCF-style: chr21-46235308-T-C. GRCh37 (hg19) VCF-style: chr21-47655222-T-C.
Other names: c.5903A>G (NM_003906.4); short protein forms E1968G.
Identifiers: ClinVar variation 1350190 (VCV001350190.4), dbSNP rs1414570362, ClinGen allele CA410532533.